The following is an entry in ClinVar:

ClinVar aggregate classification (germline): Uncertain significance (1 of 4 stars; one submission).

Conditions:
Hereditary cancer-predisposing syndrome. Also called: Neoplastic Syndromes, Hereditary; Tumor predisposition; Hereditary neoplastic syndrome; Hereditary Cancer Syndrome. Identifiers: Orphanet 140162, MedGen C0027672, MeSH D009386, MONDO:0015356.

Submission:

Ambry Genetics
Classification: Uncertain significance for Hereditary cancer-predisposing syndrome. Last evaluated: 2025-06-20. Review status: criteria provided, single submitter. Criteria: Ambry Variant Classification Scheme 2023. Collection method: clinical testing. Allele origin: germline.
Comment: The p.Q1258H variant (also known as c.3774A>C), located in coding exon 8 of the MSH6 gene, results from an A to C substitution at nucleotide position 3774. The glutamine at codon 1258 is replaced by histidine, an amino acid with highly similar properties. This amino acid position is not well conserved in available vertebrate species. In addition, this alteration is predicted to be tolerated by in silico analysis. Based on the available evidence, the clinical significance of this variant remains unclear.

NM_000179.3(MSH6):c.3774A>C (p.Gln1258His)

Gene: MSH6 (mutS homolog 6; plus strand). Cytogenetic location: 2p16.3.
Variant type: single nucleotide variant.
Coding change: c.3774A>C on transcript NM_000179.3 (MANE Select); coding-DNA position 3774, A replaced by C.
Protein change: p.Gln1258His; replaces glutamine 1258 with histidine.
Molecular consequence: missense variant.
Genome position (GRCh38, 1-based): chr2:47,806,331, A>C. VCF-style: chr2-47806331-A-C. GRCh37 (hg19) VCF-style: chr2-48033470-A-C.
Other names: c.3384A>C, p.Gln1128His (NM_001281492.2); c.2868A>C, p.Gln956His (NM_001281493.2, NM_001281494.2); short protein forms Q1258H, Q1128H, Q956H.
Identifiers: ClinVar variation 824191 (VCV000824191.5), dbSNP rs1572745173, ClinGen allele CA346761137.
Genomic context (GRCh38, chr2:47,806,331, plus strand): 5'-TATAAAATGTCGTACATTATTTTCAACTCACTACCATTCATTAGTAGAAGATTATTCTCA[A>C]AATGTTGCTGTGCGCCTAGGACATATGGTATGTGCAAATTGTTTTTTTCCACAAATTCGG-3'
Protein context (NP_000170.1, residues 1248-1268): HYHSLVEDYS[Gln1258His]NVAVRLGHMA